The following is an entry in ClinVar:

ClinVar aggregate classification (germline): Uncertain significance. Review status: criteria provided, multiple submitters, no conflicts (2 of 4 stars). 4 submissions from 4 submitters: Uncertain significance (3). 1 of the submissions does not count toward it. Last evaluated 2024-11-18.

Conditions:
NEB-related disorder. Also called: NEB-Related Disorders; NEB-related condition.
Inborn genetic diseases. Identifiers: MedGen C0950123, MeSH D030342.
Nemaline myopathy 2 (NEM2). Also called: Nemaline myopathy 2, autosomal recessive. Identifiers: MedGen C1850569, MONDO:0009725, OMIM 256030.

Allele frequency attached by ClinVar (database versions not stated): ExAC 0.00001; gnomAD exomes 0.00001 and 0.00005.
gnomAD v4.1: 77 of 1,613,774 alleles (0.0048%); highest among the groups gnomAD compares: Non-Finnish European, 0.0063%; no homozygotes.

Submissions (4):

PreventionGenetics, part of Exact Sciences
Classification: Uncertain significance for NEB-related condition. Last evaluated: 2024-11-18. Review status: criteria provided, single submitter. Criteria: ACMG Guidelines, 2015. Collection method: clinical testing. Allele origin: germline.
Comment: The NEB c.19372G>C variant is predicted to result in the amino acid substitution p.Val6458Leu. To our knowledge, this variant has not been reported in the literature. This variant is reported in 0.0031% of alleles in individuals of European (Non-Finnish) descent in gnomAD. At this time, the clinical significance of this variant is uncertain due to the absence of conclusive functional and genetic evidence.

Labcorp Genetics (formerly Invitae), Labcorp
Classification: Uncertain significance for Nemaline myopathy 2. Last evaluated: 2024-08-31. Review status: criteria provided, single submitter. Criteria: Invitae Variant Classification Sherloc (09022015). Collection method: clinical testing. Allele origin: germline.
Comment: This sequence change replaces valine, which is neutral and non-polar, with leucine, which is neutral and non-polar, at codon 6458 of the NEB protein (p.Val6458Leu). This variant is present in population databases (rs774608228, gnomAD 0.003%). This variant has not been reported in the literature in individuals affected with NEB-related conditions. ClinVar contains an entry for this variant (Variation ID: 1051821). Experimental studies and prediction algorithms are not available or were not evaluated, and the functional significance of this variant is currently unknown. In summary, the available evidence is currently insufficient to determine the role of this variant in disease. Therefore, it has been classified as a Variant of Uncertain Significance.

Ambry Genetics
Classification: Uncertain significance for Inborn genetic diseases. Last evaluated: 2021-06-22. Review status: criteria provided, single submitter. Criteria: Ambry Variant Classification Scheme 2023. Collection method: clinical testing. Allele origin: germline.

Natera, Inc.
Classification: Uncertain significance for Nemaline myopathy type 2. Last evaluated: 2020-09-03. Review status: no assertion criteria provided. Collection method: clinical testing. Allele origin: germline. Not counted in ClinVar's aggregate classification.

NM_001164508.2(NEB):c.19372G>C (p.Val6458Leu)

Gene: NEB (nebulin; minus strand). Cytogenetic location: 2q23.3.
Variant type: single nucleotide variant.
Coding change: c.19372G>C on transcript NM_001164508.2 (MANE Select); coding-DNA position 19372, G replaced by C.
Protein change: p.Val6458Leu; replaces valine 6458 with leucine.
Molecular consequence: missense variant.
Genome position (GRCh38, 1-based): chr2:151,554,987, C>G on the plus strand (G>C on the coding strand, the complement: NEB is on the minus strand). VCF-style: chr2-151554987-C-G. GRCh37 (hg19) VCF-style: chr2-152411501-C-G.
Other names: c.19372G>C, p.Val6458Leu (NM_001164507.2, NM_001271208.2); c.14269G>C, p.Val4757Leu (NM_004543.5); c.14269G>C (NM_004543.4); c.19372G>C (NM_001271208.1); short protein forms V4757L, V6458L.
Identifiers: ClinVar variation 1051821 (VCV001051821.11), dbSNP rs774608228, ClinGen allele CA1907671.